The following is an entry in ClinVar:

NM_000051.4(ATM):c.3353C>A (p.Thr1118Lys)

Gene: ATM (ATM serine/threonine kinase; plus strand). Cytogenetic location: 11q22.3.
Variant type: single nucleotide variant.
Coding change: c.3353C>A on transcript NM_000051.4 (MANE Select); coding-DNA position 3353, C replaced by A.
Protein change: p.Thr1118Lys; replaces threonine 1118 with lysine.
Molecular consequence: missense variant.
Genome position (GRCh38, 1-based): chr11:108,279,559, C>A. VCF-style: chr11-108279559-C-A. GRCh37 (hg19) VCF-style: chr11-108150286-C-A.
Other names: c.3353C>A, p.Thr1118Lys (NM_001351834.2); short protein forms T1118K.
Identifiers: ClinVar variation 4614026 (VCV004614026.1).

ClinVar aggregate classification (germline): Uncertain significance (1 of 4 stars; one submission).

Conditions:
Hereditary cancer-predisposing syndrome. Also called: Neoplastic Syndromes, Hereditary; Tumor predisposition; Hereditary Cancer Syndrome; Hereditary neoplastic syndrome. Identifiers: Orphanet 140162, MedGen C0027672, MeSH D009386, MONDO:0015356.

Submission:

Ambry Genetics
Classification: Uncertain significance for Hereditary cancer-predisposing syndrome. Last evaluated: 2025-11-29. Review status: criteria provided, single submitter. Criteria: Ambry Variant Classification Scheme 2023. Collection method: clinical testing. Allele origin: germline.
Comment: The p.T1118K variant (also known as c.3353C>A), located in coding exon 22 of the ATM gene, results from a C to A substitution at nucleotide position 3353. The threonine at codon 1118 is replaced by lysine, an amino acid with similar properties. This amino acid position is conserved. In addition, this alteration is predicted to be tolerated by in silico analysis. Based on the available evidence, the clinical significance of this variant remains unclear.